The following is an entry in ClinVar:

NM_004431.5(EPHA2):c.2116-6C>T

Gene: EPHA2 (EPH receptor A2; minus strand). Cytogenetic location: 1p36.13.
Variant type: single nucleotide variant.
Coding change: c.2116-6C>T on transcript NM_004431.5 (MANE Select); 6 bases into the intron before coding-DNA position 2116, C replaced by T.
Molecular consequence: intron variant.
Genome position (GRCh38, 1-based): chr1:16,132,279, G>A on the plus strand (C>T on the coding strand, the complement: EPHA2 is on the minus strand). VCF-style: chr1-16132279-G-A. GRCh37 (hg19) VCF-style: chr1-16458774-G-A.
Other names: c.1954-6C>T (NM_001329090.2).
Identifiers: ClinVar variation 293413 (VCV000293413.10), dbSNP rs765586631, ClinGen allele CA624911.

ClinVar aggregate classification (germline): Likely benign. Review status: criteria provided, multiple submitters, no conflicts (2 of 4 stars). 2 submissions from 2 submitters: Likely benign (2). Last evaluated 2022-07-30.

Conditions:
Cataract 6 multiple types. Also called: CATARACT 6, CONGENITAL TOTAL; CATARACT, AGE-RELATED CORTICAL, 2; CATARACT 6, POSTERIOR POLAR. Identifiers: Orphanet 91492, MedGen C1861825, MONDO:0007288, OMIM 116600.

Allele frequency attached by ClinVar (database versions not stated): gnomAD exomes 0.00002 and 0.00004; TOPMed 0.00002; ExAC 0.00003; gnomAD 0.00003.
gnomAD v4.1: 35 of 1,613,890 alleles (0.0022%); highest among the groups gnomAD compares: Middle Eastern, 0.016%; 1 homozygote.

Submissions (2):

Labcorp Genetics (formerly Invitae), Labcorp
Classification: Likely benign for Cataract 6 multiple types. Last evaluated: 2022-07-30. Review status: criteria provided, single submitter. Criteria: Invitae Variant Classification Sherloc (09022015). Collection method: clinical testing. Allele origin: germline.

Illumina Laboratory Services, Illumina
Classification: Likely benign for Cataract 6 multiple types. Last evaluated: 2018-01-13. Review status: criteria provided, single submitter. Criteria: ICSL Variant Classification Criteria 13 December 2019. Collection method: clinical testing. Allele origin: germline.
Comment: This variant was observed in the ICSL laboratory as part of a predisposition screen in an ostensibly healthy population. It had not been previously curated by ICSL or reported in the Human Gene Mutation Database (HGMD: prior to June 1st, 2018), and was therefore a candidate for classification through an automated scoring system. Utilizing variant allele frequency, disease prevalence and penetrance estimates, and inheritance mode, an automated score was calculated to assess if this variant is too frequent to cause the disease. Based on the score and internal cut-off values, a variant classified as likely benign is not then subjected to further curation. The score for this variant resulted in a classification of likely benign for this disease.